The following is an entry in ClinVar:

NM_004958.4(MTOR):c.2070G>A (p.Ala690=)

Gene: MTOR (mechanistic target of rapamycin kinase; minus strand). Cytogenetic location: 1p36.22.
Variant type: single nucleotide variant.
Coding change: c.2070G>A on transcript NM_004958.4 (MANE Select); coding-DNA position 2070, G replaced by A.
Protein change: p.Ala690=; no amino-acid change (alanine 690 retained).
Molecular consequence: synonymous variant.
Genome position (GRCh38, 1-based): chr1:11,237,981, C>T on the plus strand (G>A on the coding strand, the complement: MTOR is on the minus strand). VCF-style: chr1-11237981-C-T. GRCh37 (hg19) VCF-style: chr1-11298038-C-T.
Identifiers: ClinVar variation 696143 (VCV000696143.41), dbSNP rs55752564, ClinGen allele CA590575.

ClinVar aggregate classification (germline): Benign/Likely benign. Review status: criteria provided, multiple submitters, no conflicts (2 of 4 stars). 6 submissions from 6 submitters: Benign (2); Likely benign (2). 2 of the submissions do not count toward it. Last evaluated 2026-09-01.

Allele frequency attached by ClinVar (database versions not stated): gnomAD exomes 0.00058; gnomAD 0.00074 and 0.00077; ExAC 0.00077; TOPMed 0.00083; ESP Exome Variant Server 0.00100.
gnomAD v4.1: 1,111 of 1,614,058 alleles (0.069%); highest among the groups gnomAD compares: African/African-American, 0.12%; 3 homozygotes.

Submissions (6):

CeGaT Center for Human Genetics Tuebingen
Classification: Likely benign. Last evaluated: 2026-09-01. Review status: criteria provided, single submitter. Criteria: CeGaT Center For Human Genetics Tuebingen Variant Classification Criteria Version 2. Collection method: clinical testing. Allele origin: germline. Affected: yes. Observed: 4 variant alleles.
Comment: MTOR: BP4, BP7, BS1

Labcorp Genetics (formerly Invitae), Labcorp
Classification: Benign. Last evaluated: 2026-01-26. Review status: criteria provided, single submitter. Criteria: Invitae Variant Classification Sherloc (09022015). Collection method: clinical testing. Allele origin: germline.

Blueprint Genetics
Classification: Likely benign. Last evaluated: 2024-11-25. Review status: criteria provided, single submitter. Criteria: ACMG Guidelines, 2015. Collection method: clinical testing. Allele origin: germline.

GeneDx
Classification: Benign. Last evaluated: 2020-03-11. Review status: criteria provided, single submitter. Criteria: GeneDx Variant Classification Process June 2021. Collection method: clinical testing. Allele origin: germline. Affected: yes.

Clinical Genetics, Academic Medical Center
Classification: Likely benign. Review status: no assertion criteria provided. Collection method: clinical testing. Allele origin: germline. Affected: yes. Study: VKGL Data-share Consensus. Not counted in ClinVar's aggregate classification.

Genome Diagnostics Laboratory, University Medical Center Utrecht
Classification: Likely benign. Review status: no assertion criteria provided. Collection method: clinical testing. Allele origin: germline. Affected: yes. Study: VKGL Data-share Consensus. Not counted in ClinVar's aggregate classification.